The following is an entry in ClinVar:

ClinVar aggregate classification (germline): Uncertain significance. Review status: criteria provided, single submitter (1 of 4 stars). 2 submissions from 2 submitters: Uncertain significance (1). 1 of the submissions does not count toward it. Last evaluated 2022-04-12.

Conditions:
Agenesis of the corpus callosum with peripheral neuropathy (ACCPN). Also called: POLYNEUROPATHY, SENSORIMOTOR, WITH OR WITHOUT AGENESIS OF THE CORPUS CALLOSUM; Hereditary Motor and Sensory Neuropathy with Agenesis of the Corpus Callosum; CHARLEVOIX DISEASE; HMSN/ACC. Identifiers: Orphanet 1496, MedGen C0795950, MONDO:0000902, OMIM 218000. Disease mechanism: loss of function.

Submissions (2):

Labcorp Genetics (formerly Invitae), Labcorp
Classification: Uncertain significance. Last evaluated: 2022-04-12. Review status: criteria provided, single submitter. Criteria: Invitae Variant Classification Sherloc (09022015). Collection method: clinical testing. Allele origin: germline.
Comment: This variant, c.2690_2692del, results in the deletion of 1 amino acid(s) of the SLC12A6 protein (p.Ser897del), but otherwise preserves the integrity of the reading frame. This variant is present in population databases (no rsID available, gnomAD 0.0009%). This variant has not been reported in the literature in individuals affected with SLC12A6-related conditions. ClinVar contains an entry for this variant (Variation ID: 558284). Algorithms developed to predict the effect of sequence changes on RNA splicing suggest that this variant may disrupt the consensus splice site. In summary, the available evidence is currently insufficient to determine the role of this variant in disease. Therefore, it has been classified as a Variant of Uncertain Significance.

Counsyl
Classification: Uncertain significance for Agenesis of the corpus callosum with peripheral neuropathy. Last evaluated: 2018-05-09. Review status: no assertion criteria provided. Collection method: clinical testing. Allele origin: unknown. Not counted in ClinVar's aggregate classification.

NM_001365088.1(SLC12A6):c.2690_2692del (p.Ser897del)

Gene: SLC12A6 (solute carrier family 12 member 6; minus strand). Cytogenetic location: 15q14.
Variant type: Deletion.
Coding change: c.2690_2692del on transcript NM_001365088.1 (MANE Select); coding-DNA positions 2690 to 2692, 3 bases deleted (CCT; older notation c.2690_2692delCCT).
Protein change: p.Ser897del; deletes serine 897.
Molecular consequence: inframe deletion.
Genome position (GRCh38, 1-based): chr15:34,238,342-34,238,344, AGG deleted on the plus strand (CCT on the coding strand, the reverse complement: SLC12A6 is on the minus strand); deleting any 3 consecutive bases within chr15:34,238,342-34,238,346 gives the same sequence; the c. name uses the placement nearest the transcript's 3' end. VCF-style (leftmost placement, unchanged base first): chr15-34238341-AAGG-A. GRCh37 (hg19) VCF-style: chr15-34530542-AAGG-A.
Other names: c.2690_2692delCCT (NM_133647.1); c.2513_2515del, p.Ser838del (NM_001042494.2, NM_001042495.2); c.2663_2665del, p.Ser888del (NM_001042496.2); c.2645_2647del, p.Ser882del (NM_001042497.2); c.2537_2539del, p.Ser846del (NM_005135.2); c.2690_2692del, p.Ser897del (NM_133647.2); short protein forms S846del, S897del, S888del, S838del, S882del.
Identifiers: ClinVar variation 558284 (VCV000558284.4), dbSNP rs1555377235, ClinGen allele CA617554794.